The following is an entry in ClinVar:

ClinVar aggregate classification (germline): Uncertain significance (1 of 4 stars; one submission).

Conditions:
TMEM260-related disorder. Also called: TMEM260-related condition.

Allele frequency attached by ClinVar (database versions not stated): gnomAD exomes 0.00004; ExAC 0.00007; 1000 Genomes Project 30x 0.00016; 1000 Genomes Project 0.00020; ESP Exome Variant Server 0.00023; gnomAD 0.00025; TOPMed 0.00031.
gnomAD v4.1: 96 of 1,612,002 alleles (0.006%); highest among the groups gnomAD compares: African/African-American, 0.085%; no homozygotes.

Submission:

PreventionGenetics, part of Exact Sciences
Classification: Uncertain significance for TMEM260-related condition. Last evaluated: 2023-03-16. Review status: criteria provided, single submitter. Criteria: ACMG Guidelines, 2015. Collection method: clinical testing. Allele origin: germline.
Comment: The TMEM260 c.864A>G variant is not predicted to result in an amino acid change (p.=). This variant is predicted to alter splicing based on available splicing prediction programs (Alamut Visual Plus v1.6.1); however, the use of computer prediction programs is not equivalent to functional evidence. To our knowledge, this variant has not been reported in the literature. This variant is reported in 0.068% of alleles in individuals of African descent in gnomAD. At this time, the clinical significance of this variant is uncertain due to the absence of conclusive functional and genetic evidence.

NM_017799.4(TMEM260):c.864A>G (p.Gln288=)

Gene: TMEM260 (transmembrane protein 260; plus strand). Cytogenetic location: 14q22.3.
Variant type: single nucleotide variant.
Coding change: c.864A>G on transcript NM_017799.4 (MANE Select); coding-DNA position 864, A replaced by G.
Protein change: p.Gln288=; no amino-acid change (glutamine 288 retained).
Molecular consequence: synonymous variant.
Genome position (GRCh38, 1-based): chr14:56,615,950, A>G. VCF-style: chr14-56615950-A-G. GRCh37 (hg19) VCF-style: chr14-57082668-A-G.
Identifiers: ClinVar variation 2634785 (VCV002634785.1), dbSNP rs148570600, ClinGen allele CA7199909.